The following is an entry in ClinVar:

ClinVar aggregate classification (germline): Conflicting classifications of pathogenicity. Review status: criteria provided, conflicting classifications (1 of 4 stars). 3 submissions from 3 submitters: Uncertain significance (2); Benign (1). Last evaluated 2025-06-10.

Conditions:
Cardiovascular phenotype. Identifiers: MedGen CN230736.
Long QT syndrome (LQTS). Identifiers: MedGen C0023976, MeSH D008133, MONDO:0002442. Disease mechanism: loss of function. Inheritance: Various modes of inheritance.

Allele frequency attached by ClinVar (database versions not stated): gnomAD exomes 0.00001 and 0.00002; gnomAD 0.00002; TOPMed 0.00002; ExAC 0.00003; 1000 Genomes Project 30x 0.00047; 1000 Genomes Project 0.00060.
gnomAD v4.1: 22 of 1,614,056 alleles (0.0014%); highest among the groups gnomAD compares: South Asian, 0.014%; 1 homozygote.

Submissions (3):

Labcorp Genetics (formerly Invitae), Labcorp
Classification: Uncertain significance for Long QT syndrome. Last evaluated: 2025-06-10. Review status: criteria provided, single submitter. Criteria: Invitae Variant Classification Sherloc (09022015). Collection method: clinical testing. Allele origin: germline.
Comment: This sequence change replaces alanine, which is neutral and non-polar, with valine, which is neutral and non-polar, at codon 1809 of the ANK2 protein (p.Ala1809Val). This variant is present in population databases (rs531261130, gnomAD 0.01%). This variant has not been reported in the literature in individuals affected with ANK2-related conditions. ClinVar contains an entry for this variant (Variation ID: 633037). An algorithm developed to predict the effect of missense changes on protein structure and function outputs the following: PolyPhen-2: "Benign". The valine amino acid residue is found in multiple mammalian species, which suggests that this missense change does not adversely affect protein function. In summary, the available evidence is currently insufficient to determine the role of this variant in disease. Therefore, it has been classified as a Variant of Uncertain Significance.

Women's Health and Genetics/Laboratory Corporation of America, LabCorp
Classification: Uncertain significance. Last evaluated: 2018-12-24. Review status: criteria provided, single submitter. Criteria: LabCorp Variant Classification Summary - May 2015. Collection method: clinical testing. Allele origin: germline.
Comment: Variant summary: ANK2 c.5426C>T (p.Ala1809Val) results in a non-conservative amino acid change in the encoded protein sequence. Four of five in-silico tools predict a benign effect of the variant on protein function. The variant allele was found at a frequency of 2e-05 in 245426 control chromosomes (gnomAD). The available data on variant occurrences in the general population are insufficient to allow any conclusion about variant significance. To our knowledge, no occurrence of c.5426C>T in individuals affected with Arrhythmia and no experimental evidence demonstrating its impact on protein function have been reported. No clinical diagnostic laboratories have submitted clinical-significance assessments for this variant to ClinVar after 2014. Based on the evidence outlined above, the variant was classified as uncertain significance.

Ambry Genetics
Classification: Benign for Cardiovascular phenotype. Last evaluated: 2018-04-24. Review status: criteria provided, single submitter. Criteria: Ambry Variant Classification Scheme 2023. Collection method: clinical testing. Allele origin: germline.

NM_001148.6(ANK2):c.5426C>T (p.Ala1809Val)

Genes: ANK2 (ankyrin 2; plus strand), LOC126807136 (MED14-independent group 3 enhancer GRCh37_chr4:114274931-114276130; plus strand). Cytogenetic location: 4q26.
Variant type: single nucleotide variant.
Coding change: c.5426C>T on transcript NM_001148.6 (MANE Select); coding-DNA position 5426, C replaced by T.
Protein change: p.Ala1809Val; replaces alanine 1809 with valine.
Molecular consequence: missense variant. On other transcripts: intron variant (68).
Genome position (GRCh38, 1-based): chr4:113,354,044, C>T. VCF-style: chr4-113354044-C-T. GRCh37 (hg19) VCF-style: chr4-114275200-C-T.
Other names: c.5192C>T, p.Ala1731Val (NM_001386142.1); c.1826C>T, p.Ala609Val (NM_001386166.1); c.5567C>T, p.Ala1856Val (NM_001386174.1); c.5543C>T, p.Ala1848Val (NM_001386175.1); c.4411+3795C>T (NM_001386186.2, NM_001386148.2); c.4213+3795C>T (NM_001354269.3); c.4291+3795C>T (NM_001386187.2); c.4252+3795C>T (NM_001386147.1); and 35 more; short protein forms A1809V, A1731V, A1848V, A1856V, A609V.
Identifiers: ClinVar variation 633037 (VCV000633037.11), dbSNP rs531261130, ClinGen allele CA3051221.
Genomic context (GRCh38, chr4:113,354,044, plus strand): 5'-TCAGAGTCAAAGGCAAGGAGGACGTGCCAAAAAAGACCACCCACAGGCCACATCCAGCTG[C>T]GTCACCCTCTCTGAAGTCAGAGAGACATGCGCCAGGGTCTCCCTCCCCTAAAACAGAAAG-3'
Protein context (NP_001139.3, residues 1799-1819): KKTTHRPHPA[Ala1809Val]SPSLKSERHA